The following is an entry in ClinVar:

ClinVar aggregate classification (germline): Uncertain significance (1 of 4 stars; one submission).

Conditions:
Glycogen storage disease, type V (GSD5). Also called: McArdle type glycogen storage disease; MCARDLE DISEASE; MUSCLE GLYCOGEN PHOSPHORYLASE DEFICIENCY; MYOPHOSPHORYLASE DEFICIENCY; PYGM DEFICIENCY. Identifiers: Orphanet 368, MedGen C0017924, MONDO:0009293, OMIM 232600.

Submission:

Labcorp Genetics (formerly Invitae), Labcorp
Classification: Uncertain significance for Glycogen storage disease, type V. Last evaluated: 2023-02-28. Review status: criteria provided, single submitter. Criteria: Invitae Variant Classification Sherloc (09022015). Collection method: clinical testing. Allele origin: germline.
Comment: In summary, the available evidence is currently insufficient to determine the role of this variant in disease. Therefore, it has been classified as a Variant of Uncertain Significance. Advanced modeling of protein sequence and biophysical properties (such as structural, functional, and spatial information, amino acid conservation, physicochemical variation, residue mobility, and thermodynamic stability) performed at Invitae indicates that this missense variant is not expected to disrupt PYGM protein function. This variant has not been reported in the literature in individuals affected with PYGM-related conditions. This variant is not present in population databases (gnomAD no frequency). This sequence change replaces aspartic acid, which is acidic and polar, with glutamic acid, which is acidic and polar, at codon 511 of the PYGM protein (p.Asp511Glu).

NM_005609.4(PYGM):c.1533C>A (p.Asp511Glu)

Gene: PYGM (glycogen phosphorylase, muscle associated; minus strand). Cytogenetic location: 11q13.1.
Variant type: single nucleotide variant.
Coding change: c.1533C>A on transcript NM_005609.4 (MANE Select); coding-DNA position 1533, C replaced by A.
Protein change: p.Asp511Glu; replaces aspartic acid 511 with glutamic acid.
Molecular consequence: missense variant.
Genome position (GRCh38, 1-based): chr11:64,752,490, G>T on the plus strand (C>A on the coding strand, the complement: PYGM is on the minus strand). VCF-style: chr11-64752490-G-T. GRCh37 (hg19) VCF-style: chr11-64519962-G-T.
Other names: c.1269C>A, p.Asp423Glu (NM_001164716.1); short protein forms D511E, D423E.
Identifiers: ClinVar variation 2740325 (VCV002740325.3), dbSNP rs766794236, ClinGen allele CA381174130.